The following is an entry in ClinVar:

NM_031407.7(HUWE1):c.9920G>T (p.Gly3307Val)

Gene: HUWE1 (HECT, UBA and WWE domain containing E3 ubiquitin protein ligase 1; minus strand). Cytogenetic location: Xp11.22.
Variant type: single nucleotide variant.
Coding change: c.9920G>T on transcript NM_031407.7 (MANE Select); coding-DNA position 9920, G replaced by T.
Protein change: p.Gly3307Val; replaces glycine 3307 with valine.
Molecular consequence: missense variant.
Genome position (GRCh38, 1-based): chrX:53,549,074, C>A on the plus strand (G>T on the coding strand, the complement: HUWE1 is on the minus strand). VCF-style: chrX-53549074-C-A. GRCh37 (hg19) VCF-style: chrX-53576035-C-A.
Other names: c.9920G>T (NM_031407.6); short protein forms G3307V.
Identifiers: ClinVar variation 1908181 (VCV001908181.7), dbSNP rs148122817, ClinGen allele CA413137151.

ClinVar aggregate classification (germline): Conflicting classifications of pathogenicity. Review status: criteria provided, conflicting classifications (1 of 4 stars). 2 submissions from 2 submitters: Uncertain significance (1); Likely benign (1). Last evaluated 2023-01-31.

gnomAD v4.1: 103 of 1,209,810 alleles (0.0085%); highest among the groups gnomAD compares: Non-Finnish European, 0.011%; no homozygotes.

Submissions (2):

Women's Health and Genetics/Laboratory Corporation of America, LabCorp
Classification: Uncertain significance. Last evaluated: 2023-01-31. Review status: criteria provided, single submitter. Criteria: LabCorp Variant Classification Summary - May 2015. Collection method: clinical testing. Allele origin: germline.
Comment: Variant summary: HUWE1 c.9920G>T (p.Gly3307Val) results in a non-conservative amino acid change in the encoded protein sequence. Three of five in-silico tools predict a benign effect of the variant on protein function. The variant allele was found at a frequency of 1.1e-05 in 183082 control chromosomes. The available data on variant occurrences in the general population are insufficient to allow any conclusion about variant significance. To our knowledge, no occurrence of c.9920G>T in individuals affected with Intellectual Disability, X-Linked Syndromic, Turner Type and no experimental evidence demonstrating its impact on protein function have been reported. No clinical diagnostic laboratories have submitted clinical-significance assessments for this variant to ClinVar after 2014. Based on the evidence outlined above, the variant was classified as uncertain significance.

Labcorp Genetics (formerly Invitae), Labcorp
Classification: Likely benign. Last evaluated: 2022-03-12. Review status: criteria provided, single submitter. Criteria: Invitae Variant Classification Sherloc (09022015). Collection method: clinical testing. Allele origin: germline.

Literature cited by the submitters: PubMed 26608785 (cited by Women's Health and Genetics/Laboratory Corporation of America, LabCorp).